The following is an entry in ClinVar:

NM_000428.3(LTBP2):c.3510T>C (p.Asn1170=)

Gene: LTBP2 (latent transforming growth factor beta binding protein 2; minus strand). Cytogenetic location: 14q24.3.
Variant type: single nucleotide variant.
Coding change: c.3510T>C on transcript NM_000428.3 (MANE Select); coding-DNA position 3510, T replaced by C.
Protein change: p.Asn1170=; no amino-acid change (asparagine 1170 retained).
Molecular consequence: synonymous variant.
Genome position (GRCh38, 1-based): chr14:74,508,846, A>G on the plus strand (T>C on the coding strand, the complement: LTBP2 is on the minus strand). VCF-style: chr14-74508846-A-G. GRCh37 (hg19) VCF-style: chr14-74975549-A-G.
Other names: c.3510T>C (NM_000428.2).
Identifiers: ClinVar variation 1654754 (VCV001654754.9), dbSNP rs61738012, ClinGen allele CA7269151.
Genomic context (GRCh38, chr14:74,508,846, plus strand): 5'-CACTCATGCCCCCCACCCCCAGTAGGGTGACCTGGGTCACTCACCCTCACACACGGTGCC[A>G]TTGGCCAGCTGGAAGCCCTGGGGACAGAGGCACTGGTAGGAGCCCACAGTGTTCTTGCAC-3'
Protein context (NP_000419.1, residues 1160-1180): CLCPQGFQLA[Asn1170=]GTVCEDVNEC

ClinVar aggregate classification (germline): Benign/Likely benign. Review status: criteria provided, multiple submitters, no conflicts (2 of 4 stars). 2 submissions from 2 submitters: Benign (1); Likely benign (1). Last evaluated 2025-10-28.

Conditions:
LTBP2-related disorder. Also called: LTBP2-related disorders; LTBP2-related condition.

Allele frequency attached by ClinVar (database versions not stated): gnomAD exomes 0.00013 and 0.00030; ExAC 0.00043; TOPMed 0.00134; gnomAD 0.00141 and 0.00147; ESP Exome Variant Server 0.00177; 1000 Genomes Project 0.00200; 1000 Genomes Project 30x 0.00234.
gnomAD v4.1: 407 of 1,613,546 alleles (0.025%); highest among the groups gnomAD compares: African/African-American, 0.5%; 2 homozygotes.

Submissions (2):

Labcorp Genetics (formerly Invitae), Labcorp
Classification: Benign. Last evaluated: 2025-10-28. Review status: criteria provided, single submitter. Criteria: Invitae Variant Classification Sherloc (09022015). Collection method: clinical testing. Allele origin: germline.

PreventionGenetics, part of Exact Sciences
Classification: Likely benign for LTBP2-related condition. Last evaluated: 2025-06-17. Review status: criteria provided, single submitter. Criteria: ACMG Guidelines, 2015. Collection method: clinical testing. Allele origin: germline.
Comment: This variant is classified as likely benign based on ACMG/AMP sequence variant interpretation guidelines (Richards et al. 2015 PMID: 25741868, with internal and published modifications).